The following is an entry in ClinVar:

NM_020163.3(SEMA3G):c.151G>A (p.Gly51Ser)

Gene: SEMA3G (semaphorin 3G; minus strand). Cytogenetic location: 3p21.1.
Variant type: single nucleotide variant.
Coding change: c.151G>A on transcript NM_020163.3 (MANE Select); coding-DNA position 151, G replaced by A.
Protein change: p.Gly51Ser; replaces glycine 51 with serine.
Molecular consequence: missense variant.
Genome position (GRCh38, 1-based): chr3:52,442,872, C>T on the plus strand (G>A on the coding strand, the complement: SEMA3G is on the minus strand). VCF-style: chr3-52442872-C-T. GRCh37 (hg19) VCF-style: chr3-52476888-C-T.
Other names: short protein forms G51S.
Identifiers: ClinVar variation 4985751 (VCV004985751.1).

ClinVar aggregate classification (germline): Uncertain significance (1 of 4 stars; one submission).

Conditions:
SEMA3G-related disorder. Also called: SEMA3G-related condition.

Submission:

PreventionGenetics, part of Exact Sciences
Classification: Uncertain significance for SEMA3G-related condition. Last evaluated: 2026-05-14. Review status: criteria provided, single submitter. Criteria: ACMG Guidelines, 2015. Collection method: clinical testing. Allele origin: germline.
Comment: The SEMA3G c.151G>A variant is predicted to result in the amino acid substitution p.Gly51Ser. To our knowledge, this variant has not been reported in the literature or in a large population database (gnomAD), indicating this variant is rare. At this time, the clinical significance of this variant is uncertain due to the absence of conclusive functional and genetic evidence.